The following is an entry in ClinVar:

NM_000081.4(LYST):c.2478C>G (p.Ser826Arg)

Gene: LYST (lysosomal trafficking regulator; minus strand). Cytogenetic location: 1q42.3.
Variant type: single nucleotide variant.
Coding change: c.2478C>G on transcript NM_000081.4 (MANE Select); coding-DNA position 2478, C replaced by G.
Protein change: p.Ser826Arg; replaces serine 826 with arginine.
Molecular consequence: missense variant.
Genome position (GRCh38, 1-based): chr1:235,806,658, G>C on the plus strand (C>G on the coding strand, the complement: LYST is on the minus strand). VCF-style: chr1-235806658-G-C. GRCh37 (hg19) VCF-style: chr1-235969958-G-C.
Other names: c.2478C>G, p.Ser826Arg (NM_001301365.1); short protein forms S826R.
Identifiers: ClinVar variation 1386180 (VCV001386180.5), dbSNP rs2527085396, ClinGen allele CA344957050.
Genomic context (GRCh38, chr1:235,806,658, plus strand): 5'-CTGTTCAATGTCTATCCCATCAATATCTGGAACTGAGGCATCTTTCTGTTGCTCCCCTAG[G>C]CTGATTATCAGAGTTTCAAATGCTTTTAGAGAATGACTTCGAATACCATTTAAGCAATTT-3'
Protein context (NP_000072.2, residues 816-836): SLKAFETLII[Ser826Arg]LGEQQKDASV

ClinVar aggregate classification (germline): Uncertain significance (1 of 4 stars; one submission).

Conditions:
Chédiak-Higashi syndrome (CHS). Also called: Chediak-Higashi Syndrome. Identifiers: Orphanet 167, MedGen C0007965, MONDO:0008963, OMIM 214500.

Submission:

Labcorp Genetics (formerly Invitae), Labcorp
Classification: Uncertain significance for Chédiak-Higashi syndrome. Last evaluated: 2022-11-29. Review status: criteria provided, single submitter. Criteria: Invitae Variant Classification Sherloc (09022015). Collection method: clinical testing. Allele origin: germline.
Comment: This sequence change replaces serine, which is neutral and polar, with arginine, which is basic and polar, at codon 826 of the LYST protein (p.Ser826Arg). This variant is not present in population databases (gnomAD no frequency). This variant has not been reported in the literature in individuals affected with LYST-related conditions. ClinVar contains an entry for this variant (Variation ID: 1386180). Advanced modeling of protein sequence and biophysical properties (such as structural, functional, and spatial information, amino acid conservation, physicochemical variation, residue mobility, and thermodynamic stability) performed at Invitae indicates that this missense variant is not expected to disrupt LYST protein function. In summary, the available evidence is currently insufficient to determine the role of this variant in disease. Therefore, it has been classified as a Variant of Uncertain Significance.